The following is an entry in ClinVar:

ClinVar aggregate classification (germline): Likely benign. Review status: criteria provided, multiple submitters, no conflicts (2 of 4 stars). 2 submissions from 2 submitters: Likely benign (2). Last evaluated 2025-12-06.

Allele frequency attached by ClinVar (database versions not stated): gnomAD exomes 0.00001; ExAC 0.00005; TOPMed 0.00011; gnomAD 0.00013; 1000 Genomes Project 30x 0.00031; ESP Exome Variant Server 0.00031; 1000 Genomes Project 0.00040.

Submissions (2):

Labcorp Genetics (formerly Invitae), Labcorp
Classification: Likely benign. Last evaluated: 2025-12-06. Review status: criteria provided, single submitter. Criteria: Invitae Variant Classification Sherloc (09022015). Collection method: clinical testing. Allele origin: germline.

CeGaT Center for Human Genetics Tuebingen
Classification: Likely benign. Last evaluated: 2024-10-01. Review status: criteria provided, single submitter. Criteria: CeGaT Center For Human Genetics Tuebingen Variant Classification Criteria Version 2. Collection method: clinical testing. Allele origin: germline. Affected: yes. Observed: 1 variant allele.
Comment: SLC25A3: BP4, BP7

NM_002635.4(SLC25A3):c.930A>G (p.Val310=)

Gene: SLC25A3 (solute carrier family 25 member 3; plus strand). Cytogenetic location: 12q23.1.
Variant type: single nucleotide variant.
Coding change: c.930A>G on transcript NM_002635.4 (MANE Select); coding-DNA position 930, A replaced by G.
Protein change: p.Val310=; no amino-acid change (valine 310 retained).
Molecular consequence: synonymous variant.
Genome position (GRCh38, 1-based): chr12:98,601,372, A>G. VCF-style: chr12-98601372-A-G. GRCh37 (hg19) VCF-style: chr12-98995150-A-G.
Other names: c.933A>G, p.Val311= (NM_005888.4); c.930A>G, p.Val310= (NM_213611.3).
Identifiers: ClinVar variation 2196963 (VCV002196963.18), dbSNP rs150540408, ClinGen allele CA6733154.